The following is an entry in ClinVar:

ClinVar aggregate classification (germline): Likely benign (1 of 4 stars; one submission).

gnomAD v4.1: 1 of 1,614,132 alleles (0.000062%); highest among the groups gnomAD compares: Non-Finnish European, 0.000085%; no homozygotes.

Submission:

CeGaT Center for Human Genetics Tuebingen
Classification: Likely benign. Last evaluated: 2025-06-01. Review status: criteria provided, single submitter. Criteria: CeGaT Center For Human Genetics Tuebingen Variant Classification Criteria Version 2. Collection method: clinical testing. Allele origin: germline. Affected: yes. Observed: 1 variant allele.
Comment: C2CD3: BP4, BP7

NM_001286577.2(C2CD3):c.4128A>G (p.Glu1376=)

Gene: C2CD3 (C2 domain containing 3 centriole elongation regulator; minus strand). Cytogenetic location: 11q13.4.
Variant type: single nucleotide variant.
Coding change: c.4128A>G on transcript NM_001286577.2 (MANE Select); coding-DNA position 4128, A replaced by G.
Protein change: p.Glu1376=; no amino-acid change (glutamic acid 1376 retained).
Molecular consequence: synonymous variant.
Genome position (GRCh38, 1-based): chr11:74,078,590, T>C on the plus strand (A>G on the coding strand, the complement: C2CD3 is on the minus strand). VCF-style: chr11-74078590-T-C. GRCh37 (hg19) VCF-style: chr11-73789635-T-C.
Other names: c.4128A>G, p.Glu1376= (NM_015531.6).
Identifiers: ClinVar variation 4085242 (VCV004085242.8).